The following is an entry in ClinVar:

ClinVar aggregate classification (germline): Likely benign. Review status: criteria provided, multiple submitters, no conflicts (2 of 4 stars). 2 submissions from 2 submitters: Likely benign (2). Last evaluated 2025-05-02.

Allele frequency attached by ClinVar (database versions not stated): gnomAD 0.00130 and 0.00138.

Submissions (2):

Labcorp Genetics (formerly Invitae), Labcorp
Classification: Likely benign. Last evaluated: 2025-05-02. Review status: criteria provided, single submitter. Criteria: Invitae Variant Classification Sherloc (09022015). Collection method: clinical testing. Allele origin: germline.

CeGaT Center for Human Genetics Tuebingen
Classification: Likely benign. Last evaluated: 2024-12-01. Review status: criteria provided, single submitter. Criteria: CeGaT Center For Human Genetics Tuebingen Variant Classification Criteria Version 2. Collection method: clinical testing. Allele origin: germline. Affected: yes. Observed: 1 variant allele.
Comment: TUBGCP6: BP4, BP7

NM_020461.4(TUBGCP6):c.3498T>C (p.Asp1166=)

Gene: TUBGCP6 (tubulin gamma complex component 6; minus strand). Cytogenetic location: 22q13.33.
Variant type: single nucleotide variant.
Coding change: c.3498T>C on transcript NM_020461.4 (MANE Select); coding-DNA position 3498, T replaced by C.
Protein change: p.Asp1166=; no amino-acid change (aspartic acid 1166 retained).
Molecular consequence: synonymous variant.
Genome position (GRCh38, 1-based): chr22:50,220,861, A>G on the plus strand (T>C on the coding strand, the complement: TUBGCP6 is on the minus strand). VCF-style: chr22-50220861-A-G. GRCh37 (hg19) VCF-style: chr22-50659290-A-G.
Identifiers: ClinVar variation 1576587 (VCV001576587.21), dbSNP rs1454429186, ClinGen allele CA515375992.